The following is an entry in ClinVar:

NM_001171613.2(PREPL):c.67A>G (p.Asn23Asp)

Gene: PREPL (prolyl endopeptidase like; minus strand). Cytogenetic location: 2p21.
Variant type: single nucleotide variant.
Coding change: c.67A>G on transcript NM_001171613.2 (MANE Select); coding-DNA position 67, A replaced by G.
Protein change: p.Asn23Asp; replaces asparagine 23 with aspartic acid.
Molecular consequence: missense variant.
Genome position (GRCh38, 1-based): chr2:44,346,276, T>C on the plus strand (A>G on the coding strand, the complement: PREPL is on the minus strand). VCF-style: chr2-44346276-T-C. GRCh37 (hg19) VCF-style: chr2-44573415-T-C.
Other names: c.334A>G, p.Asn112Asp (NM_001042385.2, NM_001042386.2, NM_001171603.1 and 4 more transcripts); c.67A>G, p.Asn23Asp (NM_001171617.1, NM_001374277.1); short protein forms N112D, N23D.
Identifiers: ClinVar variation 1055246 (VCV001055246.6), dbSNP rs369131230, ClinGen allele CA1641662.

ClinVar aggregate classification (germline): Uncertain significance (1 of 4 stars; one submission).

Conditions:
Myasthenic syndrome, congenital, 22 (CMS22). Also called: PREPL DEFICIENCY. Identifiers: MedGen C4479088, MONDO:0044299, OMIM 616224.

Allele frequency attached by ClinVar (database versions not stated): gnomAD exomes 0.00001; TOPMed 0.00003; ExAC 0.00001; gnomAD 0.00001; ESP Exome Variant Server 0.00015.
gnomAD v4.1: 10 of 1,610,618 alleles (0.00062%); highest among the groups gnomAD compares: South Asian, 0.0011%; no homozygotes.

Submission:

Labcorp Genetics (formerly Invitae), Labcorp
Classification: Uncertain significance for Myasthenic syndrome, congenital, 22. Last evaluated: 2022-05-29. Review status: criteria provided, single submitter. Criteria: Invitae Variant Classification Sherloc (09022015). Collection method: clinical testing. Allele origin: germline.
Comment: This sequence change replaces asparagine, which is neutral and polar, with aspartic acid, which is acidic and polar, at codon 112 of the PREPL protein (p.Asn112Asp). This variant is present in population databases (rs369131230, gnomAD 0.003%). This variant has not been reported in the literature in individuals affected with PREPL-related conditions. ClinVar contains an entry for this variant (Variation ID: 1055246). Algorithms developed to predict the effect of missense changes on protein structure and function (SIFT, PolyPhen-2, Align-GVGD) all suggest that this variant is likely to be tolerated. In summary, the available evidence is currently insufficient to determine the role of this variant in disease. Therefore, it has been classified as a Variant of Uncertain Significance.